The following is an entry in ClinVar:

NM_000352.6(ABCC8):c.414C>T (p.Ala138=)

Gene: ABCC8 (ATP binding cassette subfamily C member 8; minus strand). Cytogenetic location: 11p15.1.
Variant type: single nucleotide variant.
Coding change: c.414C>T on transcript NM_000352.6 (MANE Select); coding-DNA position 414, C replaced by T.
Protein change: p.Ala138=; no amino-acid change (alanine 138 retained).
Molecular consequence: synonymous variant. On other transcripts: non-coding transcript variant (1).
Genome position (GRCh38, 1-based): chr11:17,463,603, G>A on the plus strand (C>T on the coding strand, the complement: ABCC8 is on the minus strand). VCF-style: chr11-17463603-G-A. GRCh37 (hg19) VCF-style: chr11-17485150-G-A.
Other names: c.414C>T, p.Ala138= (NM_001287174.3, NM_001351295.2, NM_001351296.2 and 1 more transcripts).
Identifiers: ClinVar variation 991065 (VCV000991065.14), dbSNP rs372766371, ClinGen allele CA5903870.
Genomic context (GRCh38, chr11:17,463,603, plus strand): 5'-CAAGAACTTGACAAACTTGATGGTCTTGGTGATGAAGGCCAGGGTCCAATACACCAGCAG[G>A]GCTGCCGAGGAGAGATGGAAGATCGCAGAGACGTGTGTGCATCATGTGTGTACACTCACA-3'
Protein context (NP_000343.2, residues 128-148): ETSNFPKLLI[Ala138=]LLVYWTLAFI

ClinVar aggregate classification (germline): Conflicting classifications of pathogenicity. Review status: criteria provided, conflicting classifications (1 of 4 stars). 5 submissions from 4 submitters: Uncertain significance (2); Likely benign (2). 1 of the submissions does not count toward it. Last evaluated 2025-09-04.

Conditions:
Hereditary disease. Also called: Hereditary Disorder; mendelian disease. Identifiers: MedGen C0019247, MONDO:0003847.
Transitory neonatal diabetes mellitus. Also called: Transient neonatal diabetes mellitus. Identifiers: MedGen C0342273, MONDO:0020525, HP:0008255.
Maturity-onset diabetes of the young (MODY). Also called: Maturity onset diabetes mellitus in young. Identifiers: Orphanet 552, MedGen C0342276, MONDO:0018911, HP:0004904.

Allele frequency attached by ClinVar (database versions not stated): gnomAD 0.00002; TOPMed 0.00002; gnomAD exomes 0.00003 and 0.00004; ESP Exome Variant Server 0.00008; ExAC 0.00009.
gnomAD v4.1: 47 of 1,572,894 alleles (0.003%); highest among the groups gnomAD compares: Non-Finnish European, 0.004%; no homozygotes.

Submissions (5):

Labcorp Genetics (formerly Invitae), Labcorp
Classification: Likely benign. Last evaluated: 2025-09-04. Review status: criteria provided, single submitter. Criteria: Invitae Variant Classification Sherloc (09022015). Collection method: clinical testing. Allele origin: germline.

Blueprint Genetics
Classification: Likely benign. Last evaluated: 2024-11-20. Review status: criteria provided, single submitter. Criteria: ACMG Guidelines, 2015. Collection method: clinical testing. Allele origin: germline.

Clinical Genomics, Uppaluri K&H Personalized Medicine Clinic
Classification: Uncertain significance for Maturity-onset diabetes of the young. Review status: criteria provided, single submitter. Criteria: K & H Uppaluri Personalized Medicine Clinic Variant Classification & Assertion Criteria_Updated V.1. Collection method: research. Allele origin: unknown. Inheritance: Somatic mutation.
Comment: Mutations in ABCC8 gene are associated with both neonatal diabetes mellitus as well as MODY. Patients with this mutation may have a better response to sulfonylureas. However, no sufficient evidence is found to ascertain the role of this particular variant ( rs372766371) in MODY yet.

Clinical Genomics, Uppaluri K&H Personalized Medicine Clinic
Classification: Uncertain significance for Transitory neonatal diabetes mellitus. Review status: criteria provided, single submitter. Criteria: K & H Uppaluri Personalized Medicine Clinic Variant Classification & Assertion Criteria_Updated V.1. Collection method: research. Allele origin: unknown. Inheritance: Somatic mutation.
Comment: Mutations in ABCC8 gene are associated with both neonatal diabetes mellitus as well as MODY. Patients with this mutation may have a better response to sulfonylureas. However, no sufficient evidence is found to ascertain the role of this particular variant (rs372766371) in neonatal diabetes yet.

Natera, Inc.
Classification: Uncertain significance for Hereditary Disorder. Last evaluated: 2020-04-10. Review status: no assertion criteria provided. Collection method: clinical testing. Allele origin: germline. Not counted in ClinVar's aggregate classification.

Literature cited by the submitters: PubMed 16885549 (cited by Clinical Genomics, Uppaluri K&H Personalized Medicine Clinic); PubMed 21989597 (cited by Clinical Genomics, Uppaluri K&H Personalized Medicine Clinic); PubMed 27538677 (cited by Clinical Genomics, Uppaluri K&H Personalized Medicine Clinic); PubMed 18981553 (cited by Clinical Genomics, Uppaluri K&H Personalized Medicine Clinic); PubMed 32027066 (cited by Clinical Genomics, Uppaluri K&H Personalized Medicine Clinic); PubMed 16613899 (cited by Clinical Genomics, Uppaluri K&H Personalized Medicine Clinic); PubMed 18025408 (cited by Clinical Genomics, Uppaluri K&H Personalized Medicine Clinic); PubMed 32792356 (cited by Clinical Genomics, Uppaluri K&H Personalized Medicine Clinic).